The following is an entry in ClinVar:

ClinVar aggregate classification (germline): Conflicting classifications of pathogenicity. Review status: criteria provided, conflicting classifications (1 of 4 stars). 15 submissions from 15 submitters: Uncertain significance (9); Likely benign (3). 3 of the submissions do not count toward it. Last evaluated 2026-02-27.

Conditions:
TTN-related disorder. Also called: TTN-related condition; TTN-related disease; TTN-related disorders.
Cardiovascular phenotype. Identifiers: MedGen CN230736.
Dilated cardiomyopathy 1G (CMD1G). Identifiers: Orphanet 154, MedGen C1858763, MONDO:0011400, OMIM 604145.
Autosomal recessive limb-girdle muscular dystrophy type 2J (LGMDR10). Also called: Limb-girdle muscular dystrophy, type 2J; MUSCULAR DYSTROPHY, LIMB-GIRDLE, AUTOSOMAL RECESSIVE 10. Identifiers: Orphanet 140922, MedGen C1837342, MONDO:0012127, OMIM 608807.
Tibial muscular dystrophy (TMD). Also called: Udd Distal Myopathy – Tibial Muscular Dystrophy; UDD MYOPATHY; Tibial muscular dystrophy, tardive. Identifiers: Orphanet 609, MedGen C1838244, MONDO:0010870, OMIM 600334.
Myopathy, myofibrillar, 9, with early respiratory failure (MFM9). Also called: Hereditary myopathy with early respiratory failure; EDSTROM MYOPATHY; MYOPATHY, PROXIMAL, WITH EARLY RESPIRATORY MUSCLE INVOLVEMENT; Myopathy, distal, with early respiratory failure, autosomal dominant. Identifiers: Orphanet 178464, Orphanet 34521, MedGen C1863599, MONDO:0011362, OMIM 603689.
Hypertrophic cardiomyopathy 9. Also called: Familial hypertrophic cardiomyopathy 9. Identifiers: MedGen C1861065, MONDO:0013412, OMIM 613765.
Early-onset myopathy with fatal cardiomyopathy (CMYO5). Also called: CONGENITAL MYOPATHY 5 WITH CARDIOMYOPATHY; Salih Myopathy. Identifiers: Orphanet 289377, MedGen C2673677, MONDO:0012714, OMIM 611705. Disease mechanism: loss of function.
Cardiomyopathy (CMYO). Also called: Cardiomyopathies. Identifiers: Orphanet 167848, MedGen C0878544, MONDO:0004994, HP:0001638. Inheritance: Various modes of inheritance.

Allele frequency attached by ClinVar (database versions not stated): gnomAD 0.00019 and 0.00017; gnomAD exomes 0.00020 and 0.00008; ExAC 0.00011; TOPMed 0.00014; ESP Exome Variant Server 0.00008.
gnomAD v4.1: 310 of 1,613,714 alleles (0.019%); highest among the groups gnomAD compares: Non-Finnish European, 0.025%; no homozygotes.

Submissions (15):

Women's Health and Genetics/Laboratory Corporation of America, LabCorp
Classification: Uncertain significance. Last evaluated: 2026-02-27. Review status: criteria provided, single submitter. Criteria: LabCorp Variant Classification Summary - May 2015. Collection method: clinical testing. Allele origin: germline.
Comment: Variant summary: TTN c.93577C>T (p.Arg31193Trp) results in a non-conservative amino acid change in the encoded protein sequence. Algorithms developed to predict the effect of missense changes on protein structure and function all suggest that this variant is likely to be disruptive. The variant allele was found at a frequency of 8e-05 in 248930 control chromosomes. This frequency is not significantly higher than estimated for disease-causing variants in TTN, allowing no conclusion about variant significance. c.93577C>T has been observed in individual(s) affected with Dilated Cardiomyopathy (e.g. Lian_2023, Bottillo_2025). These reports do not provide unequivocal conclusions about association of the variant with TTN-related conditions. To our knowledge, no experimental evidence demonstrating an impact on protein function has been reported. The following publications have been ascertained in the context of this evaluation (PMID: 39674365, 37461109). ClinVar contains an entry for this variant (Variation ID: 178159). Based on the evidence outlined above, the variant was classified as uncertain significance.

PreventionGenetics, part of Exact Sciences
Classification: Likely benign for TTN-related condition. Last evaluated: 2025-07-22. Review status: criteria provided, single submitter. Criteria: ACMG Guidelines, 2015. Collection method: clinical testing. Allele origin: germline.
Comment: This variant is classified as likely benign based on ACMG/AMP sequence variant interpretation guidelines (Richards et al. 2015 PMID: 25741868, with internal and published modifications).

Blueprint Genetics
Classification: Likely benign. Last evaluated: 2024-09-13. Review status: criteria provided, single submitter. Criteria: ACMG Guidelines, 2015. Collection method: clinical testing. Allele origin: germline.

ARUP Laboratories, Molecular Genetics and Genomics, ARUP Laboratories
Classification: Uncertain significance. Last evaluated: 2023-12-14. Review status: criteria provided, single submitter. Criteria: ARUP Molecular Germline Variant Investigation Process 2024. Collection method: clinical testing. Allele origin: germline.
Comment: The TTN c.101281C>T; p.Arg33761Trp variant (rs201421156; ClinVar Variation ID: 178159) is rare in the general population (<0.2% allele frequency in the Genome Aggregation Database) and has not been reported in the medical literature in association with dilated cardiomyopathy (DCM) or other TTN-related disease. The clinical relevance of rare missense variants in this gene, which are identified on average once per individual sequenced in affected populations (Herman 2012), is not well understood. Yet, evidence suggests that the vast majority of such missense variants do not contribute to the clinical outcome of DCM (Begay 2015). Thus, the clinical significance of the p.Arg33761Trp variant cannot be determined with certainty. Begay RL et al. Role of Titin Missense Variants in Dilated Cardiomyopathy. J Am Heart Assoc. 2015 Nov 13;4(11). PMID: 26567375. Herman DS et al. Truncations of titin causing dilated cardiomyopathy. N Engl J Med. 2012 Feb 16;366(7):619-28. PMID: 22335739.

CHEO Genetics Diagnostic Laboratory, Children's Hospital of Eastern Ontario
Classification: Likely benign for Cardiomyopathy. Last evaluated: 2023-05-16. Review status: criteria provided, single submitter. Criteria: ACMG Guidelines, 2015. Collection method: clinical testing. Allele origin: germline.

Fulgent Genetics
Classification: Uncertain significance for Tibial muscular dystrophy; Myopathy, myofibrillar, 9, with early respiratory failure; Dilated cardiomyopathy 1G; Autosomal recessive limb-girdle muscular dystrophy type 2J; Early-onset myopathy with fatal cardiomyopathy; Hypertrophic cardiomyopathy 9. Last evaluated: 2021-09-08. Review status: criteria provided, single submitter. Criteria: ACMG Guidelines, 2015. Collection method: clinical testing. Allele origin: unknown.

Mayo Clinic Laboratories, Mayo Clinic
Classification: Uncertain significance. Last evaluated: 2021-08-20. Review status: criteria provided, single submitter. Criteria: ACMG Guidelines, 2015. Collection method: clinical testing. Allele origin: germline.

Revvity Omics, Revvity
Classification: Uncertain significance. Last evaluated: 2020-06-30. Review status: criteria provided, single submitter. Criteria: ACMG Guidelines, 2015. Collection method: clinical testing. Allele origin: germline.

Ambry Genetics
Classification: Uncertain significance for Cardiovascular phenotype. Last evaluated: 2019-11-19. Review status: criteria provided, single submitter. Criteria: Ambry Variant Classification Scheme 2023. Collection method: clinical testing. Allele origin: germline.
Comment: The p.R24696W variant (also known as c.74086C>T), located in coding exon 185 of the TTN gene, results from a C to T substitution at nucleotide position 74086. The arginine at codon 24696 is replaced by tryptophan, an amino acid with dissimilar properties, and is located in the M-band region of the N2-B isoform of the titin protein. This amino acid position is highly conserved in available vertebrate species. In addition, the in silico prediction for this alteration is inconclusive. Since supporting evidence is limited at this time, the clinical significance of this alteration remains unclear.

Eurofins Ntd Llc (ga)
Classification: Uncertain significance. Last evaluated: 2017-09-19. Review status: criteria provided, single submitter. Criteria: EGL Classification Definitions 2015. Collection method: clinical testing. Allele origin: germline. Observed: 2 variant alleles, 2 heterozygotes.

Labcorp Genetics (formerly Invitae), Labcorp
Classification: Uncertain significance for Dilated cardiomyopathy 1G; Autosomal recessive limb-girdle muscular dystrophy type 2J. Last evaluated: 2017-04-27. Review status: criteria provided, single submitter. Criteria: Invitae Variant Classification Sherloc (09022015). Collection method: clinical testing. Allele origin: germline.

Laboratory for Molecular Medicine, Mass General Brigham Personalized Medicine
Classification: Uncertain significance. Last evaluated: 2015-01-20. Review status: criteria provided, single submitter. Criteria: LMM Criteria. Collection method: clinical testing. Allele origin: germline. Observed: 2 variant alleles.
Comment: This variant has also been identified in 14/67674 Europea n chromosomes by the Exome Aggregation Consortium (ExAC; dbSNP rs201421156). Computational prediction tools and conservation ana lysis do not provide strong support for or against an impact to the protein. In summary, the clinical significance of the p.Arg31193Trp variant is uncertain.

GeneDx
No classification provided. Last evaluated: 2014-04-29. Review status: no classification provided. Criteria: GeneDx Variant Classification (06012015). Collection method: clinical testing. Allele origin: germline. Affected: yes. Not counted in ClinVar's aggregate classification.
Comment: Missense variants in the TTN gene are considered 'unclassified' if they are not previously reported in the literature and do not have >1% frequency in the population to be considered a polymorphism. Research indicates that truncating mutations in the TTN gene are expected to account for approximately 25% of familial and 18% of sporadic idiopathic DCM; however, truncating variants in the TTN gene have been reported in approximately 3% of reported control alleles. There has been little investigation into non-truncating variants. (Herman D et al. Truncations of titin causing dilated cardiomyopathy. N Eng J Med 366:619-628, 2012) The variant is found in DCM-CRDM panel(s).

Clinical Genetics DNA and cytogenetics Diagnostics Lab, Erasmus MC, Erasmus Medical Center
Classification: Uncertain significance. Review status: no assertion criteria provided. Collection method: clinical testing. Allele origin: germline. Affected: yes. Study: VKGL Data-share Consensus. Not counted in ClinVar's aggregate classification.

Clinical Genetics, Academic Medical Center
Classification: Uncertain significance. Review status: no assertion criteria provided. Collection method: clinical testing. Allele origin: germline. Affected: yes. Study: VKGL Data-share Consensus. Not counted in ClinVar's aggregate classification.

Literature cited by the submitters: PubMed 37461109 (cited by Women's Health and Genetics/Laboratory Corporation of America, LabCorp); PubMed 39674365 (cited by Women's Health and Genetics/Laboratory Corporation of America, LabCorp).

NM_001267550.2(TTN):c.101281C>T (p.Arg33761Trp)

Genes: TTN (titin; minus strand), TTN-AS1 (TTN antisense RNA 1; plus strand). Cytogenetic location: 2q31.2.
Variant type: single nucleotide variant.
Coding change: c.101281C>T on transcript NM_001267550.2 (MANE Select); coding-DNA position 101281, C replaced by T.
Protein change: p.Arg33761Trp; replaces arginine 33761 with tryptophan.
Molecular consequence: missense variant.
Genome position (GRCh38, 1-based): chr2:178,535,334, G>A on the plus strand (C>T on the coding strand, the complement: TTN is on the minus strand). VCF-style: chr2-178535334-G-A. GRCh37 (hg19) VCF-style: chr2-179400061-G-A.
Other names: p.R32120W:CGG>TGG; c.96358C>T, p.Arg32120Trp (NM_001256850.1); c.74086C>T, p.Arg24696Trp (NM_003319.4); c.93577C>T, p.Arg31193Trp (NM_133378.4); c.74461C>T, p.Arg24821Trp (NM_133432.3); c.74662C>T, p.Arg24888Trp (NM_133437.4); short protein forms R31193W, R33761W, R32120W, R24696W, R24821W, R24888W.
Identifiers: ClinVar variation 178159 (VCV000178159.31), dbSNP rs201421156, ClinGen allele CA181583.
Genomic context (GRCh38, chr2:178,535,334, plus strand): 5'-TGGTTGGTTCTGAAGGCTCTGAAGGCTTGCTCAGACCAAATTTATTTTCAGCTATTACCC[G>A]GAACTGGTAACTTGTTTTTCCAAATAAGTTGATCACGGTATAACGTGTTTCTCGGGCCTG-3'
Protein context (NP_001254479.2, residues 33751-33771): NLFGKTSYQF[Arg33761Trp]VIAENKFGLS